The following is an entry in ClinVar:

NM_000426.4(LAMA2):c.1823_1824del (p.Ser607_Tyr608insTer)

Gene: LAMA2 (laminin subunit alpha 2; plus strand). Cytogenetic location: 6q22.33.
Variant type: Microsatellite.
Coding change: c.1823_1824del on transcript NM_000426.4 (MANE Select); coding-DNA positions 1823 to 1824, 2 bases deleted (AT; older notation c.1823_1824delAT).
Protein change: p.Ser607_Tyr608insTer.
Molecular consequence: nonsense.
Genome position (GRCh38, 1-based): chr6:129,250,152-129,250,153, AT deleted; deleting any 2 consecutive bases within chr6:129,250,150-129,250,153 gives the same sequence; the c. name uses the placement nearest the transcript's 3' end. VCF-style (leftmost placement, unchanged base first): chr6-129250149-CAT-C. GRCh37 (hg19) VCF-style: chr6-129571294-CAT-C.
Other names: c.1823_1824del, p.Ser607_Tyr608insTer (NM_001079823.2).
Identifiers: ClinVar variation 2584804 (VCV002584804.6), dbSNP rs754600708, ClinGen allele CA3992754.

ClinVar aggregate classification (germline): Pathogenic/Likely pathogenic. Review status: criteria provided, multiple submitters, no conflicts (2 of 4 stars). 3 submissions from 3 submitters: Pathogenic (2); Likely pathogenic (1). Last evaluated 2024-05-01.

Conditions:
Merosin deficient congenital muscular dystrophy (MDC1A). Also called: Congenital merosin-deficient muscular dystrophy 1A; Congenital Muscular Dystrophy Type 1A (MDC1A). Identifiers: Orphanet 258, MedGen C1263858, MONDO:0011925, OMIM 607855.
Muscular dystrophy, limb-girdle, autosomal recessive 23. Identifiers: Orphanet 565837, MedGen C4748327, MONDO:0029136, OMIM 618138.
LAMA2-related muscular dystrophy (LAMA2-RD). Also called: Laminin alpha 2-related dystrophy. Identifiers: MedGen C5679788, MONDO:0100228.

Submissions (3):

Fulgent Genetics
Classification: Pathogenic for Merosin deficient congenital muscular dystrophy; Muscular dystrophy, limb-girdle, autosomal recessive 23. Last evaluated: 2024-05-01. Review status: criteria provided, single submitter. Criteria: ACMG Guidelines, 2015. Collection method: clinical testing. Allele origin: germline.

Labcorp Genetics (formerly Invitae), Labcorp
Classification: Pathogenic for LAMA2-related muscular dystrophy. Last evaluated: 2023-02-03. Review status: criteria provided, single submitter. Criteria: Invitae Variant Classification Sherloc (09022015). Collection method: clinical testing. Allele origin: germline.
Comment: This sequence change creates a premature translational stop signal (p.Tyr608*) in the LAMA2 gene. It is expected to result in an absent or disrupted protein product. Loss-of-function variants in LAMA2 are known to be pathogenic (PMID: 18700894, 32904964). This variant is present in population databases (rs754600708, gnomAD 0.003%). This premature translational stop signal has been observed in individual(s) with congenital muscular dystrophy type 1A (PMID: 30055037). For these reasons, this variant has been classified as Pathogenic.

Neuberg Centre For Genomic Medicine, NCGM
Classification: Likely pathogenic for Merosin deficient congenital muscular dystrophy. Review status: criteria provided, single submitter. Criteria: ACMG Guidelines, 2015. Collection method: clinical testing. Allele origin: germline. Inheritance: Autosomal recessive inheritance. Affected: yes.
Comment: The observed frame shift variant in c.1823_1824del (p.Tyr608Ter) in LAMA2 gene has not been reported previously as a pathogenic variant nor as a benign variant, to our knowledge. The p.Tyr608Ter variant has allele freqency 0.0004% in gnomAD Exomes. This variant has not been submitted to the ClinVar database. This variant is predicted to cause loss of normal protein function through protein truncation. Loss of function variants have been previously reported to be disease causing. For these reasons, this variant has been classified as Likely Pathogenic.

Literature cited by the submitters: PubMed 18700894 (cited by Labcorp Genetics (formerly Invitae), Labcorp); PubMed 32904964 (cited by Labcorp Genetics (formerly Invitae), Labcorp); PubMed 30055037 (cited by Labcorp Genetics (formerly Invitae), Labcorp).